The following is an entry in ClinVar:

NM_000458.4(HNF1B):c.344+228G>C

Gene: HNF1B (HNF1 homeobox B; minus strand). Cytogenetic location: 17q12.
Variant type: single nucleotide variant.
Coding change: c.344+228G>C on transcript NM_000458.4 (MANE Select); 228 bases into the intron after coding-DNA position 344, G replaced by C.
Molecular consequence: intron variant.
Genome position (GRCh38, 1-based): chr17:37,744,313, C>G on the plus strand (G>C on the coding strand, the complement: HNF1B is on the minus strand). VCF-style: chr17-37744313-C-G. GRCh37 (hg19) VCF-style: chr17-36104304-C-G.
Other names: c.344+228G>C (NM_001304286.2, NM_001165923.4).
Identifiers: ClinVar variation 676932 (VCV000676932.2), dbSNP rs113656333, ClinGen allele CA14434476.

ClinVar aggregate classification (germline): Benign. Review status: criteria provided, multiple submitters, no conflicts (2 of 4 stars). 2 submissions from 2 submitters: Benign (2). Last evaluated 2018-06-16.

Conditions:
Maturity-onset diabetes of the young (MODY). Also called: Maturity onset diabetes mellitus in young. Identifiers: Orphanet 552, MedGen C0342276, MONDO:0018911, HP:0004904.

Allele frequency attached by ClinVar (database versions not stated): 1000 Genomes Project 0.03415; 1000 Genomes Project 30x 0.03576; TOPMed 0.05963; gnomAD 0.06093.
gnomAD v4.1: 9,194 of 152,346 alleles (6%); highest among the groups gnomAD compares: Middle Eastern, 21%; 406 homozygotes.

Submissions (2):

GeneDx
Classification: Benign. Last evaluated: 2018-06-16. Review status: criteria provided, single submitter. Criteria: GeneDx Variant Classification (06012015). Collection method: clinical testing. Allele origin: germline. Affected: yes.
Comment: This variant is considered likely benign or benign based on one or more of the following criteria: it is a conservative change, it occurs at a poorly conserved position in the protein, it is predicted to be benign by multiple in silico algorithms, and/or has population frequency not consistent with disease.

Clinical Genomics, Uppaluri K&H Personalized Medicine Clinic
Classification: Benign for Maturity-onset diabetes of the young. Review status: criteria provided, single submitter. Criteria: K & H Uppaluri Personalized Medicine Clinic Variant Classification & Assertion Criteria_Updated V.1. Collection method: research. Allele origin: unknown. Inheritance: Autosomal dominant inheritance.
Comment: HNF1B gene mutations are associated with early onset diabetes and pancreatic atrophy. It is also associated with multiple renal manifestations including renal cysts, Tubulointerstitial disease, glomerulocystic disease, renal hypoplasia, hypomagnesemia. However no sufficient evidence is found to ascertain the role of this particular variant rs113656333, yet.

Literature cited by the submitters: PubMed 24897035 (cited by Clinical Genomics, Uppaluri K&H Personalized Medicine Clinic); PubMed 25536396 (cited by Clinical Genomics, Uppaluri K&H Personalized Medicine Clinic); PubMed 27615128 (cited by Clinical Genomics, Uppaluri K&H Personalized Medicine Clinic); PubMed 28215227 (cited by Clinical Genomics, Uppaluri K&H Personalized Medicine Clinic); PubMed 33434175 (cited by Clinical Genomics, Uppaluri K&H Personalized Medicine Clinic); PubMed 25741167 (cited by Clinical Genomics, Uppaluri K&H Personalized Medicine Clinic); PubMed 26340261 (cited by Clinical Genomics, Uppaluri K&H Personalized Medicine Clinic); PubMed 19639018 (cited by Clinical Genomics, Uppaluri K&H Personalized Medicine Clinic).